The following is an entry in ClinVar:

NM_001374736.1(DST):c.22016G>C (p.Ser7339Thr)

Gene: DST (dystonin; minus strand). Cytogenetic location: 6p12.1.
Variant type: single nucleotide variant.
Coding change: c.22016G>C on transcript NM_001374736.1 (MANE Select); coding-DNA position 22016, G replaced by C.
Protein change: p.Ser7339Thr; replaces serine 7339 with threonine.
Molecular consequence: missense variant.
Genome position (GRCh38, 1-based): chr6:56,472,201, C>G on the plus strand (G>C on the coding strand, the complement: DST is on the minus strand). VCF-style: chr6-56472201-C-G. GRCh37 (hg19) VCF-style: chr6-56336999-C-G.
Other names: c.14147G>C, p.Ser4716Thr (NM_015548.5); c.15125G>C, p.Ser5042Thr (NM_183380.4, NM_001386100.1); c.15245G>C, p.Ser5082Thr (NM_001144770.2); c.15659G>C, p.Ser5220Thr (NM_001144769.5); c.22043G>C, p.Ser7348Thr (NM_001374734.1); c.22016G>C, p.Ser7339Thr (NM_001374722.1); c.21056G>C, p.Ser7019Thr (NM_001374729.1); c.14798G>C, p.Ser4933Thr (NM_001374730.1); short protein forms S5042T, S7019T, S4933T, S5220T, S4716T, S5082T, S7339T, S7348T.
Identifiers: ClinVar variation 1352568 (VCV001352568.6), dbSNP rs1324806917, ClinGen allele CA364509031.

ClinVar aggregate classification (germline): Uncertain significance (1 of 4 stars; one submission).

Conditions:
Epidermolysis bullosa simplex 3, localized or generalized intermediate, with BP230 deficiency (EBS3). Also called: Epidermolysis bullosa simplex due to BP230 deficiency; Epidermolysis bullosa simplex, autosomal recessive 2. Identifiers: Orphanet 412181, MedGen C3809470, MONDO:0014180, OMIM 615425.
Hereditary sensory and autonomic neuropathy type 6. Also called: HSAN VI; Neuropathy, hereditary sensory and autonomic, type VI. Identifiers: Orphanet 314381, MedGen C3539003, MONDO:0013839, OMIM 614653.

Allele frequency attached by ClinVar (database versions not stated): gnomAD exomes 0.00001; gnomAD 0.00002; TOPMed 0.00002.
gnomAD v4.1: 6 of 1,613,720 alleles (0.00037%); highest among the groups gnomAD compares: African/African-American, 0.0053%; no homozygotes.

Submission:

Labcorp Genetics (formerly Invitae), Labcorp
Classification: Uncertain significance for Epidermolysis bullosa simplex 3, localized or generalized intermediate, with BP230 deficiency; Hereditary sensory and autonomic neuropathy type 6. Last evaluated: 2026-01-05. Review status: criteria provided, single submitter. Criteria: Invitae Variant Classification Sherloc (09022015). Collection method: clinical testing. Allele origin: germline.
Comment: The DST gene has multiple clinically relevant transcripts. This variant occurs in alternate transcript NM_015548.4, and corresponds to NM_001723.5:c.*143316G>C in the primary transcript. This sequence change replaces serine, which is neutral and polar, with threonine, which is neutral and polar, at codon 4716 of the DST protein (p.Ser4716Thr). This variant is present in population databases (no rsID available, gnomAD 0.01%). This variant has not been reported in the literature in individuals affected with DST-related conditions. Experimental studies and prediction algorithms are not available or were not evaluated, and the functional significance of this variant is currently unknown. In summary, the available evidence is currently insufficient to determine the role of this variant in disease. Therefore, it has been classified as a Variant of Uncertain Significance.